The following is an entry in ClinVar:

NM_001145809.2(MYH14):c.5345+4A>G

Gene: MYH14 (myosin heavy chain 14; plus strand). Cytogenetic location: 19q13.33.
Variant type: single nucleotide variant.
Coding change: c.5345+4A>G on transcript NM_001145809.2 (MANE Select); 4 bases into the intron after coding-DNA position 5345, A replaced by G.
Molecular consequence: intron variant.
Genome position (GRCh38, 1-based): chr19:50,293,325, A>G. VCF-style: chr19-50293325-A-G. GRCh37 (hg19) VCF-style: chr19-50796582-A-G.
Other names: c.5246+4A>G (NM_001077186.2); c.5222+4A>G (NM_024729.4).
Identifiers: ClinVar variation 3365737 (VCV003365737.1).
Genomic context (GRCh38, chr19:50,293,325, plus strand): 5'-GGCCCAGCAGGACCGGGATGAGATGGCAGATGAGGTGGCCAATGGTAACCTTAGCAAGTA[A>G]GTGCCCCAAGGGTCTGAAGGCTGAGGTACTGCGTCTGCAGGAGGTGAAGCTGGGGTAGGC-3'

ClinVar aggregate classification (germline): Uncertain significance (1 of 4 stars; one submission).

Submission:

GeneDx
Classification: Uncertain significance. Last evaluated: 2024-04-18. Review status: criteria provided, single submitter. Criteria: GeneDx Variant Classification Process June 2021. Collection method: clinical testing. Allele origin: germline. Affected: yes.
Comment: Not observed at significant frequency in large population cohorts (gnomAD); Has not been previously published as pathogenic or benign to our knowledge; In silico analysis suggests this variant may impact gene splicing. In the absence of RNA/functional studies, the actual effect of this sequence change is unknown.